The following continues an entry in ClinVar:

NM_002834.5(PTPN11):c.1381G>A (p.Ala461Thr)

Gene: PTPN11. ClinVar aggregate classification (germline): Pathogenic. Pathogenic (1). ClinVar aggregate classification (somatic clinical impact): Tier I - Strong.

Submissions 8 to 17 of 17:

Labcorp Genetics (formerly Invitae), Labcorp
Classification: Pathogenic for RASopathy. Last evaluated: 2023-01-09. Review status: criteria provided, single submitter. Criteria: Invitae Variant Classification Sherloc (09022015). Collection method: clinical testing. Allele origin: germline. Not counted in ClinVar's aggregate classification.
Comment: Experimental studies have shown that this missense change affects PTPN11 function (PMID: 16377799, 20493809, 24718990, 24935154). For these reasons, this variant has been classified as Pathogenic. Advanced modeling performed at Invitae incorporating data from internal and/or published experimental studies (Invitae) indicates that this missense variant is expected to disrupt PTPN11 function. ClinVar contains an entry for this variant (Variation ID: 13342). This missense change has been observed in individual(s) with LEOPARD syndrome (PMID: 15389709, 15470362, 23799168). In at least one individual the variant was observed to be de novo. This variant is not present in population databases (gnomAD no frequency). This sequence change replaces alanine, which is neutral and non-polar, with threonine, which is neutral and polar, at codon 461 of the PTPN11 protein (p.Ala461Thr).

GeneDx
Classification: Pathogenic. Last evaluated: 2022-09-06. Review status: criteria provided, single submitter. Criteria: GeneDx Variant Classification Process June 2021. Collection method: clinical testing. Allele origin: germline. Affected: yes. Not counted in ClinVar's aggregate classification.
Comment: Published functional studies demonstrate this variant results in either a dramatic reduction of catalytic activity or complete catalytic inactivity (Yu et al., 2014; Kontaridis et al., 2006); Missense variants in this gene are often considered pathogenic (HGMD); Not observed at significant frequency in large population cohorts (gnomAD); This variant is associated with the following publications: (PMID: 24935154, 20493809, 24718990, 16377799, 25937001, 24803665, 15470362, 28483241, 15389709, 23799168, 30055033, 30050098, 29907801, 32573669, 26918529, 24077912)

Centro Nacional de Genética Medica, Administración Nacional de Laboratorios e Institutos de Salud (ANLIS) “Dr. Carlos G Malbrán”
Classification: Pathogenic. Last evaluated: 2022-02-02. Review status: criteria provided, single submitter. Criteria: ACMG Guidelines, 2015. Collection method: clinical testing. Allele origin: germline. Affected: yes. Not counted in ClinVar's aggregate classification.

Victorian Clinical Genetics Services, Murdoch Childrens Research Institute
Classification: Pathogenic for Noonan syndrome 1. Last evaluated: 2022-02-02. Review status: criteria provided, single submitter. Criteria: ACMG Guidelines, 2015. Collection method: clinical testing. Allele origin: germline. Inheritance: Autosomal dominant inheritance. Affected: yes. Not counted in ClinVar's aggregate classification.
Comment: Based on the classification scheme VCGS_Germline_v1.3.4, this variant is classified as pathogenic. Following criteria are met: 0103 - Both loss- and gain-of-function are known mechanisms of disease for this gene. Metachondromatosis (MIM#156250) and Noonan syndrome with multiple lentigines have been associated with loss of function variants, whereas Noonan syndrome 1 (MIM#163950) is caused by gain of function variants (PMIDs: 11992261, 24935154, 21533187). (I) 0107 - This gene is associated with autosomal dominant disease. (I) 0115 - Variants in this gene associated with Noonan syndrome are known to have variable expressivity (GeneReviews). 0200 - Variant is predicted to result in a missense amino acid change from alanine to threonine. (I) 0251 - This variant is heterozygous. (I) 0301 - Variant is absent from gnomAD (both v2 and v3). (SP) 0501 - Missense variant consistently predicted to be damaging by multiple in silico tools or highly conserved with a major amino acid change. (SP) 0601 - Variant is located in the well-established functional protein-tyrosine phosphatase (PTP) domain. The alanine residue at position 461, is an active site involved in substrate binding in the PTP domain (UniProt, PMID 24935154). (SP) 0801 - This variant has strong previous evidence of pathogenicity in unrelated individuals. This variant has been reported in multiple individuals with Noonan syndrome and LEOPARD syndrome, several with de novo inheritance (PMID: 23799168, PMID: 15470362, PMID: 21784453, PMID: 22190897, VCGS, ClinVar). (SP) 1208 - Inheritance information for this variant is not currently available in this individual. (I) Legend: (SP) - Supporting pathogenic, (I) - Information, (SB) - Supporting benign

Women's Health and Genetics/Laboratory Corporation of America, LabCorp
Classification: Pathogenic for Rasopathy. Last evaluated: 2020-10-26. Review status: criteria provided, single submitter. Criteria: LabCorp Variant Classification Summary - May 2015. Collection method: clinical testing. Allele origin: germline. Not counted in ClinVar's aggregate classification.
Comment: Variant summary: PTPN11 c.1381G>A (p.Ala461Thr) results in a non-conservative amino acid change located in the PTP type protein phosphatase domain of the encoded protein sequence. Five of five in-silico tools predict a damaging effect of the variant on protein function. 4/4 computational tools predict no significant impact on normal splicing. However, these predictions have yet to be confirmed by functional studies. The variant was absent in 251372 control chromosomes (gnomAD and publication data). c.1381G>A has been reported in the literature in multiple individuals with clinical features of NSRD, including de novo occurrences (Ypshida_2004, Chu_2011, Lee_2011, Digilio_2012, Ezquieta_2012, Croonen_2013, Leach_2019). These data indicate that the variant is very likely to be associated with disease. Functional studies report the variant effect results in catalytic inactivity and was shown to strongly inhibiting EGF-evoked Erk activation in a dominant-negative manner (Kontaridis_2006, Yu_2014). Four ClinVar submitters (evaluation after 2014) cite the variant as pathogenic. Based on the evidence outlined above, the variant was classified as pathogenic.

ARUP Laboratories, Molecular Genetics and Genomics, ARUP Laboratories
Classification: Pathogenic. Last evaluated: 2018-08-07. Review status: criteria provided, single submitter. Criteria: ARUP Molecular Germline Variant Investigation Process. Collection method: clinical testing. Allele origin: germline. Not counted in ClinVar's aggregate classification.
Comment: The PTPN11 c.1381G>A; p.Ala461Thr variant (rs121918468) is reported in the literature in multiple individuals affected with LEOPARD syndrome and symptoms of Noonan syndrome (Chu 2013, Sarkozy 2004, Yoshida 2004). It is reported as pathogenic by multiple laboratories in ClinVar (Variation ID: 13342) and is absent from general population databases (1000 Genomes Project, Exome Variant Server, and Genome Aggregation Database), indicating it is not a common polymorphism. This variant occurs in the protein tyrosine signature motif involved in phosphate binding (Kontaridis 2006, Sarkozy 2004, Yu 2014), and other variants associated with LEOPARD syndrome, including another variant at the same codon, p.Ala461Ser, have also been described in this domain (Yoshida 2004, Osawa 2009). Biochemical characterization of p.Ala461Thr PTPN11 variant protein shows severely reduced phosphatase activity (Kontaridis 2006, Yu 2014). This variant also fails to rescue developmental defects of a zebrafish shp2 (PTPN11) morphant to the same extent as wildtype (Bonetti 2014, Stewart 2010). The alanine at codon 461 is highly conserved and computational analyses (SIFT, PolyPhen-2) predict that this variant is deleterious. Based on available information, the p.Ala461Thr variant is considered pathogenic. REFERENCES Bonetti M et al. Noonan and LEOPARD syndrome Shp2 variants induce heart displacement defects in zebrafish. Development. 2014 May;141(9):1961-70. Chu HS et al. Syndromic Hearing Loss in Association with PTPN11-Related Disorder: The Experience of Cochlear Implantation in a Child with LEOPARD Syndrome. Clin Exp Otorhinolaryngol. 2013 Jun;6(2):99-102. Kontaridis MI et al. PTPN11 (Shp2) mutations in LEOPARD syndrome have dominant negative, not activating, effects. J Biol Chem. 2006 Mar 10;281(10):6785-92. Osawa R et al. A novel PTPN11 missense mutation in a patient with LEOPARD syndrome. Br J Dermatol. 2009 Nov;161(5):1202-4. Sarkozy A et al. A novel PTPN11 gene mutation bridges Noonan syndrome, multiple lentigines/LEOPARD syndrome and Noonan-like/multiple giant cell lesion syndrome. Eur J Hum Genet. 2004 Dec;12(12):1069-72. Stewart RA et al. Phosphatase-dependent and -independent functions of Shp2 in neural crest cells underlie LEOPARD syndrome pathogenesis. Dev Cell. 2010 May 18;18(5):750-62. Yoshida R et al. Two novel and one recurrent PTPN11 mutations in LEOPARD syndrome. Am J Med Genet A. 2004 Nov 1;130A(4):432-4. Yu ZH et al. Molecular basis of gain-of-function LEOPARD syndrome-associated SHP2 mutations. Biochemistry. 2014 Jul 1;53(25):4136-51.

Laboratory for Molecular Medicine, Mass General Brigham Personalized Medicine
Classification: Pathogenic for Noonan syndrome with multiple lentigines. Last evaluated: 2015-02-26. Review status: criteria provided, single submitter. Criteria: LMM Criteria. Collection method: clinical testing. Allele origin: germline. Inheritance: Autosomal dominant inheritance. Observed: 6 variant alleles. Not counted in ClinVar's aggregate classification.
Comment: The p.Ala461Thr variant in PTPN11 has been previously identified in 10 individua ls with clinical features of a LEOPARD (Sarkozy 2004, Yoshida 2004, Digilio 2010 , Chu 2013, LMM unpublished data) and occurred de novo in 3 of these individuals (Sarkozy 2004, Chu 2013, LMM unpublished data). It was absent from large popula tion studies. Furthermore, in-vitro and in-vivo functional studies suggest this variant has a dominant negative effect, which is an established pathogenic mecha nism in LEOPARD (Kontaridis 2006, Stewart 2010, Yu 2014). In summary, this varia nt meets our criteria to be classified as pathogenic for a LEOPARD.

OMIM
Classification: Pathogenic for LEOPARD SYNDROME 1. Last evaluated: 2004-11-01. Review status: no assertion criteria provided. Collection method: literature only. Allele origin: germline. Not counted in ClinVar's aggregate classification.

Division of Human Genetics, National Health Laboratory Service/University of the Witwatersrand
Classification: Pathogenic for LEOPARD syndrome 1. Review status: no assertion criteria provided. Collection method: research. Allele origin: unknown. Affected: yes. Observed: 1 variant allele. Not counted in ClinVar's aggregate classification.

GeneReviews
No classification provided. Condition: LEOPARD syndrome 1. Review status: no classification provided. Collection method: literature only. Allele origin: unknown. Not counted in ClinVar's aggregate classification.

Literature cited by the submitters: PubMed 19659470 (cited by Variantyx, Inc.); PubMed 24790373 (cited by Variantyx, Inc.); PubMed 20493809 (cited by 3 submitters); PubMed 24718990 (cited by 3 submitters); PubMed 24935154 (cited by 6 submitters); PubMed 23799168 (cited by 5 submitters); PubMed 36304179 (cited by Variantyx, Inc.); PubMed 32573669 (cited by Variantyx, Inc.); PubMed 35885957 (cited by Variantyx, Inc.); PubMed 26918529 (cited by Variantyx, Inc.); PubMed 15470362 (cited by 4 submitters); PubMed 15389709 (cited by 5 submitters); PubMed 16377799 (cited by 4 submitters).